The following is an entry in ClinVar:

ClinVar aggregate classification (germline): Uncertain significance (1 of 4 stars; one submission).

Allele frequency attached by ClinVar (database versions not stated): TOPMed 0.00002; gnomAD 0.00001; ExAC 0.00006.
gnomAD v4.1: 14 of 1,613,688 alleles (0.00087%); highest among the groups gnomAD compares: Non-Finnish European, 0.0012%; no homozygotes.

Submission:

Labcorp Genetics (formerly Invitae), Labcorp
Classification: Uncertain significance. Last evaluated: 2021-09-01. Review status: criteria provided, single submitter. Criteria: Invitae Variant Classification Sherloc (09022015). Collection method: clinical testing. Allele origin: germline.
Comment: This sequence change replaces methionine with lysine at codon 1455 of the TTC37 protein (p.Met1455Lys). The methionine residue is moderately conserved and there is a moderate physicochemical difference between methionine and lysine. This variant is present in population databases (rs200032370, ExAC 0.01%). This variant has not been reported in the literature in individuals affected with TTC37-related conditions. Algorithms developed to predict the effect of missense changes on protein structure and function are either unavailable or do not agree on the potential impact of this missense change (SIFT: "Deleterious"; PolyPhen-2: "Benign"; Align-GVGD: "Class C0"). Algorithms developed to predict the effect of sequence changes on RNA splicing suggest that this variant may create or strengthen a splice site. In summary, the available evidence is currently insufficient to determine the role of this variant in disease. Therefore, it has been classified as a Variant of Uncertain Significance.

NM_014639.4(SKIC3):c.4364T>A (p.Met1455Lys)

Gene: SKIC3 (SKI3 subunit of superkiller complex; minus strand). Cytogenetic location: 5q15.
Variant type: single nucleotide variant.
Coding change: c.4364T>A on transcript NM_014639.4 (MANE Select); coding-DNA position 4364, T replaced by A.
Protein change: p.Met1455Lys; replaces methionine 1455 with lysine.
Molecular consequence: missense variant.
Genome position (GRCh38, 1-based): chr5:95,478,291, A>T on the plus strand (T>A on the coding strand, the complement: SKIC3 is on the minus strand). VCF-style: chr5-95478291-A-T. GRCh37 (hg19) VCF-style: chr5-94813995-A-T.
Other names: short protein forms M1455K.
Identifiers: ClinVar variation 1511614 (VCV001511614.5), dbSNP rs200032370, ClinGen allele CA3346416.